The following is an entry in ClinVar:

NM_014727.3(KMT2B):c.2255C>A (p.Ala752Glu)

Gene: KMT2B (lysine methyltransferase 2B; plus strand). Cytogenetic location: 19q13.12.
Variant type: single nucleotide variant.
Coding change: c.2255C>A on transcript NM_014727.3 (MANE Select); coding-DNA position 2255, C replaced by A.
Protein change: p.Ala752Glu; replaces alanine 752 with glutamic acid.
Molecular consequence: missense variant.
Genome position (GRCh38, 1-based): chr19:35,721,602, C>A. VCF-style: chr19-35721602-C-A. GRCh37 (hg19) VCF-style: chr19-36212504-C-A.
Other names: c.2255C>A (NM_014727.2); short protein forms A752E.
Identifiers: ClinVar variation 2229559 (VCV002229559.3), dbSNP rs1198802588, ClinGen allele CA405397286.

ClinVar aggregate classification (germline): Uncertain significance. Review status: criteria provided, multiple submitters, no conflicts (2 of 4 stars). 2 submissions from 2 submitters: Uncertain significance (2). Last evaluated 2024-03-28.

Conditions:
Inborn genetic diseases. Identifiers: MedGen C0950123, MeSH D030342.

Allele frequency attached by ClinVar (database versions not stated): gnomAD exomes below 0.00001.

Submissions (2):

GeneDx
Classification: Uncertain significance. Last evaluated: 2024-03-28. Review status: criteria provided, single submitter. Criteria: GeneDx Variant Classification Process June 2021. Collection method: clinical testing. Allele origin: germline. Affected: yes.
Comment: Not observed at significant frequency in large population cohorts (gnomAD); In silico analysis supports that this missense variant does not alter protein structure/function; Has not been previously published as pathogenic or benign to our knowledge

Ambry Genetics
Classification: Uncertain significance for Inborn genetic diseases. Last evaluated: 2021-04-01. Review status: criteria provided, single submitter. Criteria: Ambry Variant Classification Scheme 2023. Collection method: clinical testing. Allele origin: germline.